The following is an entry in ClinVar:

ClinVar aggregate classification (germline): Pathogenic (1 of 4 stars; one submission).

Conditions:
Sulfite oxidase deficiency. Also called: Isolated sulfite oxidase deficiency. Identifiers: Orphanet 833, Orphanet 99731, MedGen C0268624, MONDO:0010089, OMIM 272300, HP:0003643.

Submission:

Labcorp Genetics (formerly Invitae), Labcorp
Classification: Pathogenic for Sulfite oxidase deficiency. Last evaluated: 2024-02-16. Review status: criteria provided, single submitter. Criteria: Invitae Variant Classification Sherloc (09022015). Collection method: clinical testing. Allele origin: germline.
Comment: This sequence change creates a premature translational stop signal (p.Ser23Glnfs*40) in the SUOX gene. While this is not anticipated to result in nonsense mediated decay, it is expected to disrupt the last 523 amino acid(s) of the SUOX protein. This variant is not present in population databases (gnomAD no frequency). This variant has not been reported in the literature in individuals affected with SUOX-related conditions. This variant disrupts a region of the SUOX protein in which other variant(s) (p.Tyr400*) have been determined to be pathogenic (PMID: 12112661, 23994568, 24938149, 28629418). This suggests that this is a clinically significant region of the protein, and that variants that disrupt it are likely to be disease-causing. For these reasons, this variant has been classified as Pathogenic.

Literature cited by the submitters: PubMed 12112661; PubMed 23994568; PubMed 24938149; PubMed 28629418.

NM_001032386.2(SUOX):c.66del (p.Ser23fs)

Gene: SUOX (sulfite oxidase; plus strand). Cytogenetic location: 12q13.2.
Variant type: Deletion.
Coding change: c.66del on transcript NM_001032386.2 (MANE Select); coding-DNA position 66, one base deleted (C; older notation c.66delC).
Protein change: p.Ser23fs; shifts the reading frame from serine 23.
Molecular consequence: frameshift variant.
Genome position (GRCh38, 1-based): chr12:56,002,558, C deleted; the last of 4 consecutive C bases (chr12:56,002,555-56,002,558); deleting any one gives the same sequence. VCF-style (leftmost placement, unchanged base first): chr12-56002554-TC-T. GRCh37 (hg19) VCF-style: chr12-56396338-TC-T.
Other names: c.66del, p.Ser23fs (NM_000456.3, NM_001032387.2); short protein forms S23fs.
Identifiers: ClinVar variation 3641247 (VCV003641247.2).